The following is an entry in ClinVar:

NM_015202.5(KATNIP):c.4518G>A (p.Ala1506=)

Gene: KATNIP (katanin interacting protein; plus strand). Cytogenetic location: 16p12.1.
Variant type: single nucleotide variant.
Coding change: c.4518G>A on transcript NM_015202.5 (MANE Select); coding-DNA position 4518, G replaced by A.
Protein change: p.Ala1506=; no amino-acid change (alanine 1506 retained).
Molecular consequence: synonymous variant.
Genome position (GRCh38, 1-based): chr16:27,776,996, G>A. VCF-style: chr16-27776996-G-A. GRCh37 (hg19) VCF-style: chr16-27788317-G-A.
Other names: c.4518G>A (NM_015202.3).
Identifiers: ClinVar variation 796669 (VCV000796669.9), dbSNP rs750384923, ClinGen allele CA7978659.

ClinVar aggregate classification (germline): Likely benign. Review status: criteria provided, single submitter (1 of 4 stars). 2 submissions from 2 submitters: Likely benign (1). 1 of the submissions does not count toward it. Last evaluated 2022-05-17.

Conditions:
KATNIP-related disorder. Also called: KATNIP-related condition.

Allele frequency attached by ClinVar (database versions not stated): TOPMed 0.00002.
gnomAD v4.1: 33 of 1,613,502 alleles (0.002%); highest among the groups gnomAD compares: South Asian, 0.024%; no homozygotes.

Submissions (2):

Labcorp Genetics (formerly Invitae), Labcorp
Classification: Likely benign. Last evaluated: 2022-05-17. Review status: criteria provided, single submitter. Criteria: Invitae Variant Classification Sherloc (09022015). Collection method: clinical testing. Allele origin: germline.

PreventionGenetics, part of Exact Sciences
Classification: Likely benign for KATNIP-related condition. Last evaluated: 2021-09-24. Review status: no assertion criteria provided. Collection method: clinical testing. Allele origin: germline. Not counted in ClinVar's aggregate classification.
Comment: This variant is classified as likely benign based on ACMG/AMP sequence variant interpretation guidelines (Richards et al. 2015 PMID: 25741868, with internal and published modifications).